The following is an entry in ClinVar:

NM_014804.3(KIAA0753):c.1490_1495del (p.Val497_Thr498del)

Gene: KIAA0753 (KIAA0753; minus strand). Cytogenetic location: 17p13.1.
Variant type: Deletion.
Coding change: c.1490_1495del on transcript NM_014804.3 (MANE Select); coding-DNA positions 1490 to 1495, 6 bases deleted (TGACTG; older notation c.1490_1495delTGACTG).
Protein change: p.Val497_Thr498del.
Genome position (GRCh38, 1-based): chr17:6,611,969-6,611,974, CAGTCA deleted on the plus strand (TGACTG on the coding strand, the reverse complement: KIAA0753 is on the minus strand); deleting any 6 consecutive bases within chr17:6,611,969-6,611,977 gives the same sequence; the c. name uses the placement nearest the transcript's 3' end. VCF-style (leftmost placement, unchanged base first): chr17-6611968-TCAGTCA-T. GRCh37 (hg19) VCF-style: chr17-6515288-TCAGTCA-T.
Other names: c.593_598del, p.Val198_Thr199del (NM_001351225.2).
Identifiers: ClinVar variation 4780250 (VCV004780250.1).

ClinVar aggregate classification (germline): Uncertain significance (1 of 4 stars; one submission).

Submission:

Labcorp Genetics (formerly Invitae), Labcorp
Classification: Uncertain significance. Last evaluated: 2025-08-21. Review status: criteria provided, single submitter. Criteria: Invitae Variant Classification Sherloc (09022015). Collection method: clinical testing. Allele origin: germline.
Comment: This variant, c.1490_1495del, results in the deletion of 2 amino acid(s) of the KIAA0753 protein (p.Val497_Thr498del), but otherwise preserves the integrity of the reading frame. This variant is present in population databases (rs763471862, gnomAD 0.004%). This variant has not been reported in the literature in individuals affected with KIAA0753-related conditions. Experimental studies and prediction algorithms are not available or were not evaluated, and the functional significance of this variant is currently unknown. In summary, the available evidence is currently insufficient to determine the role of this variant in disease. Therefore, it has been classified as a Variant of Uncertain Significance.